The following is an entry in ClinVar:

ClinVar aggregate classification (germline): Uncertain significance (1 of 4 stars; one submission).

Conditions:
RYR1-related disorder. Also called: RYR1-related condition; RYR1-related disorders. Identifiers: MedGen CN239331.

Submission:

Labcorp Genetics (formerly Invitae), Labcorp
Classification: Uncertain significance for RYR1-related disorder. Last evaluated: 2021-01-13. Review status: criteria provided, single submitter. Criteria: Invitae Variant Classification Sherloc (09022015). Collection method: clinical testing. Allele origin: germline.
Comment: This variant is not present in population databases (ExAC no frequency). This sequence change replaces alanine with threonine at codon 4856 of the RYR1 protein (p.Ala4856Thr). The alanine residue is highly conserved and there is a small physicochemical difference between alanine and threonine. Advanced modeling of protein sequence and biophysical properties (such as structural, functional, and spatial information, amino acid conservation, physicochemical variation, residue mobility, and thermodynamic stability) performed at Invitae indicates that this missense variant is expected to disrupt RYR1 protein function. This variant has not been reported in the literature in individuals with RYR1-related conditions. In summary, the available evidence is currently insufficient to determine the role of this variant in disease. Therefore, it has been classified as a Variant of Uncertain Significance.

NM_000540.3(RYR1):c.14566G>A (p.Ala4856Thr)

Gene: RYR1 (ryanodine receptor 1; plus strand). Cytogenetic location: 19q13.2.
Variant type: single nucleotide variant.
Coding change: c.14566G>A on transcript NM_000540.3 (MANE Select); coding-DNA position 14566, G replaced by A.
Protein change: p.Ala4856Thr; replaces alanine 4856 with threonine.
Molecular consequence: missense variant.
Genome position (GRCh38, 1-based): chr19:38,580,424, G>A. VCF-style: chr19-38580424-G-A. GRCh37 (hg19) VCF-style: chr19-39071064-G-A.
Other names: c.14551G>A, p.Ala4851Thr (NM_001042723.2); short protein forms A4856T, A4851T.
Identifiers: ClinVar variation 1385227 (VCV001385227.8), dbSNP rs2145896601, ClinGen allele CA405687711.